The following is an entry in ClinVar:

NM_006031.6(PCNT):c.1528del (p.Thr510fs)

Gene: PCNT (pericentrin; plus strand). Cytogenetic location: 21q22.3.
Variant type: Deletion.
Coding change: c.1528del on transcript NM_006031.6 (MANE Select); coding-DNA position 1528, one base deleted (A; older notation c.1528delA).
Protein change: p.Thr510fs; shifts the reading frame from threonine 510.
Molecular consequence: frameshift variant.
Genome position (GRCh38, 1-based): chr21:46,353,175, A deleted; the last of 6 consecutive A bases (chr21:46,353,170-46,353,175); deleting any one gives the same sequence. VCF-style (leftmost placement, unchanged base first): chr21-46353169-GA-G. GRCh37 (hg19) VCF-style: chr21-47773083-GA-G.
Other names: c.1174del, p.Thr392fs (NM_001315529.2); short protein forms T392fs, T510fs.
Identifiers: ClinVar variation 3355048 (VCV003355048.1).
Genomic context (GRCh38, chr21:46,353,169, plus strand): 5'-CATGAGCAACTCCTGGCGCGCACCTCTCGTGTGGAAGATTTAGAACAGCTGAAGCAGCGA[GA>G]AAAAACCCAGCATGAGTCCGAACTGGAGCAACTGAGGATTTATTTTGAAAAGAAGTTAAG-3'

ClinVar aggregate classification (germline): Likely pathogenic (0 of 4 stars; one submission).

Conditions:
PCNT-related disorder. Also called: PCNT-related condition.

Submission:

PreventionGenetics, part of Exact Sciences
Classification: Likely pathogenic for PCNT-related condition. Last evaluated: 2024-08-04. Review status: no assertion criteria provided. Collection method: clinical testing. Allele origin: germline.
Comment: The PCNT c.1528delA variant is predicted to result in a frameshift and premature protein termination (p.Thr510Profs*10). To our knowledge, this variant has not been reported in the literature. This variant is reported in 0.0062% of alleles in individuals of African descent in gnomAD. Frameshift variants in PCNT are expected to be pathogenic. This variant is interpreted as likely pathogenic.